The following is an entry in ClinVar:

ClinVar aggregate classification (germline): Uncertain significance. Review status: criteria provided, multiple submitters, no conflicts (2 of 4 stars). 2 submissions from 2 submitters: Uncertain significance (2). Last evaluated 2025-08-02.

Conditions:
Inborn genetic diseases. Identifiers: MedGen C0950123, MeSH D030342.

Allele frequency attached by ClinVar (database versions not stated): gnomAD exomes below 0.00001.
gnomAD v4.1: 1 of 1,612,792 alleles (0.000062%); highest among the groups gnomAD compares: Admixed American, 0.0017%; no homozygotes.

Submissions (2):

Ambry Genetics
Classification: Uncertain significance for Inborn genetic diseases. Last evaluated: 2025-08-02. Review status: criteria provided, single submitter. Criteria: Ambry Variant Classification Scheme 2023. Collection method: clinical testing. Allele origin: germline.

GeneDx
Classification: Uncertain significance. Last evaluated: 2022-01-11. Review status: criteria provided, single submitter. Criteria: GeneDx Variant Classification Process June 2021. Collection method: clinical testing. Allele origin: germline. Affected: yes.
Comment: Not observed at significant frequency in large population cohorts (gnomAD); In silico analysis supports that this missense variant does not alter protein structure/function; Has not been previously published as pathogenic or benign to our knowledge

NM_001077415.3(CRELD1):c.232G>C (p.Glu78Gln)

Gene: CRELD1 (CRELD disulfide isomerase 1; plus strand). Cytogenetic location: 3p25.3.
Variant type: single nucleotide variant.
Coding change: c.232G>C on transcript NM_001077415.3 (MANE Select); coding-DNA position 232, G replaced by C.
Protein change: p.Glu78Gln; replaces glutamic acid 78 with glutamine.
Molecular consequence: missense variant. On other transcripts: non-coding transcript variant (3).
Genome position (GRCh38, 1-based): chr3:9,934,892, G>C. VCF-style: chr3-9934892-G-C. GRCh37 (hg19) VCF-style: chr3-9976576-G-C.
Other names: c.232G>C, p.Glu78Gln (NM_001031717.4, NM_001374316.1, NM_001374317.1 and 4 more transcripts); short protein forms E78Q.
Identifiers: ClinVar variation 1699713 (VCV001699713.3), dbSNP rs1427385729, ClinGen allele CA351712312.
Genomic context (GRCh38, chr3:9,934,892, plus strand): 5'-CAGGGCCTGGAGAGAACCATCCGGGACAACTTTGGAGGTGGAAACACTGCCTGGGAGGAA[G>C]AGAATTTGTCCAAATACAAAGACAGGTAAGGGGCTGCTGGGGGAAGGGGTGTATATTCCC-3'
Protein context (NP_001070883.2, residues 68-88): FGGGNTAWEE[Glu78Gln]NLSKYKDSET